The following is an entry in ClinVar:

ClinVar aggregate classification (germline): Uncertain significance (1 of 4 stars; one submission).

gnomAD v4.1: 3 of 1,586,356 alleles (0.00019%); highest among the groups gnomAD compares: African/African-American, 0.0028%; no homozygotes.

Submission:

Labcorp Genetics (formerly Invitae), Labcorp
Classification: Uncertain significance. Last evaluated: 2025-09-12. Review status: criteria provided, single submitter. Criteria: Invitae Variant Classification Sherloc (09022015). Collection method: clinical testing. Allele origin: germline.
Comment: This sequence change replaces alanine, which is neutral and non-polar, with threonine, which is neutral and polar, at codon 161 of the TCF3 protein (p.Ala161Thr). The frequency data for this variant in the population databases is considered unreliable, as metrics indicate poor data quality at this position in the gnomAD database. This variant has not been reported in the literature in individuals affected with TCF3-related conditions. Invitae Evidence Modeling of protein sequence and biophysical properties (such as structural, functional, and spatial information, amino acid conservation, physicochemical variation, residue mobility, and thermodynamic stability) indicates that this missense variant is not expected to disrupt TCF3 protein function with a negative predictive value of 80%. In summary, the available evidence is currently insufficient to determine the role of this variant in disease. Therefore, it has been classified as a Variant of Uncertain Significance.

NM_003200.5(TCF3):c.481G>A (p.Ala161Thr)

Gene: TCF3 (transcription factor 3; minus strand). Cytogenetic location: 19p13.3.
Variant type: single nucleotide variant.
Coding change: c.481G>A on transcript NM_003200.5 (MANE Select); coding-DNA position 481, G replaced by A.
Protein change: p.Ala161Thr; replaces alanine 161 with threonine.
Molecular consequence: missense variant.
Genome position (GRCh38, 1-based): chr19:1,625,594, C>T on the plus strand (G>A on the coding strand, the complement: TCF3 is on the minus strand). VCF-style: chr19-1625594-C-T. GRCh37 (hg19) VCF-style: chr19-1625593-C-T.
Other names: c.481G>A, p.Ala161Thr (NM_001136139.4, NM_001351778.2, NM_001351779.2); short protein forms A161T.
Identifiers: ClinVar variation 4703948 (VCV004703948.1).